The following is an entry in ClinVar:

NM_000702.4(ATP1A2):c.1639del (p.Glu547fs)

Gene: ATP1A2 (ATPase Na+/K+ transporting subunit alpha 2; plus strand). Cytogenetic location: 1q23.2.
Variant type: Deletion.
Coding change: c.1639del on transcript NM_000702.4 (MANE Select); coding-DNA position 1639, one base deleted (G; older notation c.1639delG).
Protein change: p.Glu547fs; shifts the reading frame from glutamic acid 547.
Molecular consequence: frameshift variant.
Genome position (GRCh38, 1-based): chr1:160,130,279, G deleted; the last of 4 consecutive G bases (chr1:160,130,276-160,130,279); deleting any one gives the same sequence. VCF-style (leftmost placement, unchanged base first): chr1-160130275-TG-T. GRCh37 (hg19) VCF-style: chr1-160100065-TG-T.
Other names: short protein forms E547fs.
Identifiers: ClinVar variation 947719 (VCV000947719.11), dbSNP rs1651730901, ClinGen allele CA1139656385.

ClinVar aggregate classification (germline): Pathogenic. Review status: criteria provided, multiple submitters, no conflicts (2 of 4 stars). 2 submissions from 2 submitters: Pathogenic (2). Last evaluated 2023-11-08.

Conditions:
Familial hemiplegic migraine. Identifiers: MedGen C0338484, MONDO:0000700.

Submissions (2):

Labcorp Genetics (formerly Invitae), Labcorp
Classification: Pathogenic for Familial hemiplegic migraine. Last evaluated: 2023-11-08. Review status: criteria provided, single submitter. Criteria: Invitae Variant Classification Sherloc (09022015). Collection method: clinical testing. Allele origin: germline.
Comment: This sequence change creates a premature translational stop signal (p.Glu547Serfs*9) in the ATP1A2 gene. It is expected to result in an absent or disrupted protein product. Loss-of-function variants in ATP1A2 are known to be pathogenic (PMID: 30690204). This variant is not present in population databases (gnomAD no frequency). This variant has not been reported in the literature in individuals affected with ATP1A2-related conditions. ClinVar contains an entry for this variant (Variation ID: 947719). For these reasons, this variant has been classified as Pathogenic.

Genetic Services Laboratory, University of Chicago
Classification: Pathogenic. Last evaluated: 2018-05-23. Review status: criteria provided, single submitter. Criteria: ACMG Guidelines, 2015. Collection method: clinical testing. Allele origin: germline. Affected: yes.

Literature cited by the submitters: PubMed 30690204 (cited by Labcorp Genetics (formerly Invitae), Labcorp).